The following is an entry in ClinVar:

NM_016213.5(TRIP4):c.890G>A (p.Trp297Ter)

Gene: TRIP4 (thyroid hormone receptor interactor 4; plus strand). Cytogenetic location: 15q22.31.
Variant type: single nucleotide variant.
Coding change: c.890G>A on transcript NM_016213.5 (MANE Select); coding-DNA position 890, G replaced by A.
Protein change: p.Trp297Ter; replaces tryptophan 297 with a stop codon.
Molecular consequence: nonsense. On other transcripts: non-coding transcript variant (1).
Genome position (GRCh38, 1-based): chr15:64,409,675, G>A. VCF-style: chr15-64409675-G-A. GRCh37 (hg19) VCF-style: chr15-64701874-G-A.
Other names: c.200G>A, p.Trp67Ter (NM_001321924.2); c.890G>A (NM_016213.4); short protein forms W297*, W67*.
Identifiers: ClinVar variation 1694758 (VCV001694758.33), dbSNP rs1891715888, ClinGen allele CA392821283.

ClinVar aggregate classification (germline): Pathogenic. Review status: criteria provided, multiple submitters, no conflicts (2 of 4 stars). 3 submissions from 3 submitters: Pathogenic (3). Last evaluated 2024-03-31.

Conditions:
Spinal muscular atrophy with congenital bone fractures 1 (SMABF1). Also called: SMA1 with congenital bone fractures. Identifiers: MedGen C4225177, MONDO:0014806, OMIM 616866.

Allele frequency attached by ClinVar (database versions not stated): gnomAD exomes below 0.00001; TOPMed below 0.00001.
gnomAD v4.1: 2 of 1,614,180 alleles (0.00012%); highest among the groups gnomAD compares: Non-Finnish European, 0.000085%; no homozygotes.

Submissions (3):

Laboratory for Molecular Medicine, Mass General Brigham Personalized Medicine
Classification: Pathogenic for Spinal muscular atrophy with congenital bone fractures 1. Last evaluated: 2024-03-31. Review status: criteria provided, single submitter. Criteria: ACMG Guidelines, 2015. Collection method: clinical testing. Allele origin: germline. Inheritance: Autosomal recessive inheritance.
Comment: It has been identified in 0.002% (1/53142) of Finnish chromosomes by gnomAD (v3.1.2). This variant has also been reported by other clinical laboratories in ClinVar (Variation ID 1694758). This nonsense variant leads to a premature termination codon at position 297, which is predicted to lead to a truncated or absent protein. In vitro functional studies showed reduced levels of TRIP4 mRNA in fibroblasts and no detectable TRIP4 protein by western blot (Davignon 2016 PMID: 27008887). Loss of function variants in the TRIP4 gene have been reported in individuals with autosomal recessive TRIP4-associated disorders. Additionally, a zebrafish animal model shows that TRIP4 knockdown causes severe impairment of alpha-motoneurons and impaired formation of the neuromuscular junction and zebrafish showed compromised motor responses (Knierim 2016 PMID: 26924529). Knockdown of TRIP4 in a murine myoblastic cell line affected late myogenic differentiation and myotube growth (Davignon 2016 PMID: 27008887). In summary, this variant meets criteria to be classified as pathogenic for autosomal recessive TRIP4-associated disorders. ACMG/AMP Criteria applied: PVS1, PP1_Strong, PM2_Supporting, PS3_Supporting, PM3_Supporting.

GeneDx
Classification: Pathogenic. Last evaluated: 2022-08-30. Review status: criteria provided, single submitter. Criteria: GeneDx Variant Classification Process June 2021. Collection method: clinical testing. Allele origin: germline. Affected: yes.
Comment: Nonsense variant predicted to result in protein truncation or nonsense mediated decay in a gene for which loss of function is a known mechanism of disease; Not observed at significant frequency in large population cohorts (gnomAD); This variant is associated with the following publications: (PMID: 31794073, 34204919, 27008887)

CeGaT Center for Human Genetics Tuebingen
Classification: Pathogenic. Last evaluated: 2022-05-01. Review status: criteria provided, single submitter. Criteria: CeGaT Center For Human Genetics Tuebingen Variant Classification Criteria Version 2. Collection method: clinical testing. Allele origin: germline. Affected: yes. Observed: 3 variant alleles.

Literature cited by the submitters: PubMed 26924529 (cited by Laboratory for Molecular Medicine, Mass General Brigham Personalized Medicine); PubMed 27008887 (cited by Laboratory for Molecular Medicine, Mass General Brigham Personalized Medicine).